The following is an entry in ClinVar:

NM_000051.4(ATM):c.277A>G (p.Lys93Glu)

Gene: ATM (ATM serine/threonine kinase; plus strand). Cytogenetic location: 11q22.3.
Variant type: single nucleotide variant.
Coding change: c.277A>G on transcript NM_000051.4 (MANE Select); coding-DNA position 277, A replaced by G.
Protein change: p.Lys93Glu; replaces lysine 93 with glutamic acid.
Molecular consequence: missense variant.
Genome position (GRCh38, 1-based): chr11:108,229,269, A>G. VCF-style: chr11-108229269-A-G. GRCh37 (hg19) VCF-style: chr11-108099996-A-G.
Other names: c.277A>G, p.Lys93Glu (NM_001351834.2, NM_001351835.2, NM_001351836.2); short protein forms K93E.
Identifiers: ClinVar variation 489528 (VCV000489528.12), dbSNP rs1555055234, ClinGen allele CA382521666.
Genomic context (GRCh38, chr11:108,229,269, plus strand): 5'-GAATGTCTGAGAATAGCAAAACCAAATGTATCAGCCTCAACACAAGCCTCCAGGCAGAAA[A>G]AGATGCAGGAAATCAGTAGTTTGGTCAAATACTTCATCAAATGTGCAAACAGAAGTAAGT-3'
Protein context (NP_000042.3, residues 83-103): SASTQASRQK[Lys93Glu]MQEISSLVKY

ClinVar aggregate classification (germline): Uncertain significance. Review status: criteria provided, multiple submitters, no conflicts (2 of 4 stars). 2 submissions from 2 submitters: Uncertain significance (2). Last evaluated 2023-12-05.

Conditions:
Hereditary cancer-predisposing syndrome. Also called: Tumor predisposition; Neoplastic Syndromes, Hereditary; Hereditary Cancer Syndrome; Hereditary neoplastic syndrome. Identifiers: Orphanet 140162, MedGen C0027672, MeSH D009386, MONDO:0015356.
Ataxia-telangiectasia syndrome (AT). Also called: Ataxia-telangiectasia; Ataxia-telangiectasia, complementation group D; AT, COMPLEMENTATION GROUP C; LOUIS-BAR SYNDROME; Cerebello-oculocutaneous telangiectasia; Immunodeficiency with ataxia telangiectasia. Identifiers: Orphanet 100, MedGen C0004135, MONDO:0008840, OMIM 208900.

Submissions (2):

Color Diagnostics, LLC DBA Color Health
Classification: Uncertain significance for Hereditary cancer-predisposing syndrome. Last evaluated: 2023-12-05. Review status: criteria provided, single submitter. Criteria: ACMG Guidelines, 2015. Collection method: clinical testing. Allele origin: germline.
Comment: This missense variant replaces lysine with glutamic acid at codon 93 of the ATM protein. Computational prediction suggests that this variant may not impact protein structure and function (internally defined REVEL score threshold <= 0.5, PMID: 27666373). To our knowledge, functional studies have not been reported for this variant. This variant has not been reported in individuals affected with ATM-related disorders in the literature. This variant has not been identified in the general population by the Genome Aggregation Database (gnomAD). The available evidence is insufficient to determine the role of this variant in disease conclusively. Therefore, this variant is classified as a Variant of Uncertain Significance.

Labcorp Genetics (formerly Invitae), Labcorp
Classification: Uncertain significance for Ataxia-telangiectasia syndrome. Last evaluated: 2022-08-11. Review status: criteria provided, single submitter. Criteria: Invitae Variant Classification Sherloc (09022015). Collection method: clinical testing. Allele origin: germline.
Comment: This sequence change replaces lysine, which is basic and polar, with glutamic acid, which is acidic and polar, at codon 93 of the ATM protein (p.Lys93Glu). In summary, the available evidence is currently insufficient to determine the role of this variant in disease. Therefore, it has been classified as a Variant of Uncertain Significance. Advanced modeling of protein sequence and biophysical properties (such as structural, functional, and spatial information, amino acid conservation, physicochemical variation, residue mobility, and thermodynamic stability) performed at Invitae indicates that this missense variant is not expected to disrupt ATM protein function. ClinVar contains an entry for this variant (Variation ID: 489528). This variant has not been reported in the literature in individuals affected with ATM-related conditions. This variant is not present in population databases (gnomAD no frequency).